The following is an entry in ClinVar:

ClinVar aggregate classification (germline): Pathogenic (1 of 4 stars; one submission).

Conditions:
Developmental and epileptic encephalopathy 94 (DEE94). Also called: CHD2-Related Neurodevelopmental Disorders; Epileptic encephalopathy, childhood-onset. Identifiers: Orphanet 1942, Orphanet 2382, MedGen C3809278, MONDO:0014150, OMIM 615369.

Submission:

Labcorp Genetics (formerly Invitae), Labcorp
Classification: Pathogenic for Developmental and epileptic encephalopathy 94. Last evaluated: 2024-12-10. Review status: criteria provided, single submitter. Criteria: Invitae Variant Classification Sherloc (09022015). Collection method: clinical testing. Allele origin: germline.
Comment: This sequence change creates a premature translational stop signal (p.Arg1093Alafs*9) in the CHD2 gene. It is expected to result in an absent or disrupted protein product. Loss-of-function variants in CHD2 are known to be pathogenic (PMID: 23708187, 24207121). This variant is not present in population databases (gnomAD no frequency). This variant has not been reported in the literature in individuals affected with CHD2-related conditions. For these reasons, this variant has been classified as Pathogenic.

Literature cited by the submitters: PubMed 23708187; PubMed 24207121.

NM_001271.4(CHD2):c.3277_3278del (p.Arg1093fs)

Gene: CHD2 (chromodomain helicase DNA binding protein 2; plus strand). Cytogenetic location: 15q26.1.
Variant type: Microsatellite.
Coding change: c.3277_3278del on transcript NM_001271.4 (MANE Select); coding-DNA positions 3277 to 3278, 2 bases deleted (AG; older notation c.3277_3278delAG).
Protein change: p.Arg1093fs; shifts the reading frame from arginine 1093.
Molecular consequence: frameshift variant.
Genome position (GRCh38, 1-based): chr15:92,985,537-92,985,538, AG deleted; deleting any 2 consecutive bases within chr15:92,985,535-92,985,538 gives the same sequence; the c. name uses the placement nearest the transcript's 3' end. VCF-style (leftmost placement, unchanged base first): chr15-92985534-AAG-A. GRCh37 (hg19) VCF-style: chr15-93528764-AAG-A.
Other names: short protein forms R1093fs.
Identifiers: ClinVar variation 3726972 (VCV003726972.2).